The following is an entry in ClinVar:

ClinVar aggregate classification (germline): Likely pathogenic (0 of 4 stars; one submission).

Conditions:
GATA3-related disorder. Also called: GATA3-related condition.

Submission:

PreventionGenetics, part of Exact Sciences
Classification: Likely pathogenic for GATA3-related condition. Last evaluated: 2024-09-12. Review status: no assertion criteria provided. Collection method: clinical testing. Allele origin: germline.
Comment: The GATA3 c.94_95delAG variant is predicted to result in a frameshift and premature protein termination (p.Ser32Profs*20). To our knowledge, this variant has not been reported in the literature or in a large population database, indicating this variant is rare. Frameshift variants in GATA3 are expected to be pathogenic. Upstream loss-of-function variants have been reported as causative. This variant is interpreted as likely pathogenic.

NM_001002295.2(GATA3):c.94_95del (p.Ser32fs)

Gene: GATA3 (GATA binding protein 3; plus strand). Cytogenetic location: 10p14.
Variant type: Deletion.
Coding change: c.94_95del on transcript NM_001002295.2 (MANE Select); coding-DNA positions 94 to 95, 2 bases deleted (AG; older notation c.94_95delAG).
Protein change: p.Ser32fs; shifts the reading frame from serine 32.
Molecular consequence: frameshift variant.
Genome position (GRCh38, 1-based): chr10:8,055,749-8,055,750, AG deleted. VCF-style (leftmost placement, unchanged base first): chr10-8055748-CAG-C. GRCh37 (hg19) VCF-style: chr10-8097711-CAG-C.
Other names: c.94_95del, p.Ser32fs (NM_002051.3); short protein forms S32fs.
Identifiers: ClinVar variation 3344650 (VCV003344650.1).